The following is an entry in ClinVar:

NM_032776.3(JMJD1C):c.3716A>G (p.Asn1239Ser)

Gene: JMJD1C (jumonji domain containing 1C; minus strand). Cytogenetic location: 10q21.3.
Variant type: single nucleotide variant.
Coding change: c.3716A>G on transcript NM_032776.3 (MANE Select); coding-DNA position 3716, A replaced by G.
Protein change: p.Asn1239Ser; replaces asparagine 1239 with serine.
Molecular consequence: missense variant. On other transcripts: non-coding transcript variant (1).
Genome position (GRCh38, 1-based): chr10:63,207,953, T>C on the plus strand (A>G on the coding strand, the complement: JMJD1C is on the minus strand). VCF-style: chr10-63207953-T-C. GRCh37 (hg19) VCF-style: chr10-64967713-T-C.
Other names: c.3170A>G, p.Asn1057Ser (NM_001282948.2, NM_001318154.2); c.2852A>G, p.Asn951Ser (NM_001318153.2); c.3602A>G, p.Asn1201Ser (NM_001322252.2); c.3059A>G, p.Asn1020Ser (NM_001322254.2, NM_001322258.2); short protein forms N1020S, N1057S, N1201S, N1239S, N951S.
Identifiers: ClinVar variation 1056693 (VCV001056693.11), dbSNP rs1051600051, ClinGen allele CA208371931.

ClinVar aggregate classification (germline): Uncertain significance. Review status: criteria provided, multiple submitters, no conflicts (2 of 4 stars). 2 submissions from 2 submitters: Uncertain significance (2). Last evaluated 2022-06-24.

Conditions:
Early Myoclonic Encephalopathy. Identifiers: MedGen C0270855.

Allele frequency attached by ClinVar (database versions not stated): gnomAD 0.00001; TOPMed 0.00001.

Submissions (2):

Revvity Omics, Revvity
Classification: Uncertain significance. Last evaluated: 2022-06-24. Review status: criteria provided, single submitter. Criteria: ACMG Guidelines, 2015. Collection method: clinical testing. Allele origin: germline.

Labcorp Genetics (formerly Invitae), Labcorp
Classification: Uncertain significance for Early Myoclonic Encephalopathy. Last evaluated: 2020-07-02. Review status: criteria provided, single submitter. Criteria: Invitae Variant Classification Sherloc (09022015). Collection method: clinical testing. Allele origin: germline.
Comment: Algorithms developed to predict the effect of missense changes on protein structure and function (SIFT, PolyPhen-2, Align-GVGD) all suggest that this variant is likely to be tolerated, but these predictions have not been confirmed by published functional studies and their clinical significance is uncertain. This variant has not been reported in the literature in individuals with JMJD1C-related conditions. This variant is not present in population databases (ExAC no frequency). This sequence change replaces asparagine with serine at codon 1239 of the JMJD1C protein (p.Asn1239Ser). The asparagine residue is moderately conserved and there is a small physicochemical difference between asparagine and serine. Algorithms developed to predict the effect of sequence changes on RNA splicing suggest that this variant may create or strengthen a splice site, but this prediction has not been confirmed by published transcriptional studies. In summary, the available evidence is currently insufficient to determine the role of this variant in disease. Therefore, it has been classified as a Variant of Uncertain Significance.